The following is an entry in ClinVar:

NM_018230.3(NUP133):c.1520C>T (p.Thr507Ile)

Gene: NUP133 (nucleoporin 133; minus strand). Cytogenetic location: 1q42.13.
Variant type: single nucleotide variant.
Coding change: c.1520C>T on transcript NM_018230.3 (MANE Select); coding-DNA position 1520, C replaced by T.
Protein change: p.Thr507Ile; replaces threonine 507 with isoleucine.
Molecular consequence: missense variant.
Genome position (GRCh38, 1-based): chr1:229,484,126, G>A on the plus strand (C>T on the coding strand, the complement: NUP133 is on the minus strand). VCF-style: chr1-229484126-G-A. GRCh37 (hg19) VCF-style: chr1-229619873-G-A.
Other names: c.1520C>T (NM_018230.2); short protein forms T507I.
Identifiers: ClinVar variation 2085931 (VCV002085931.7), dbSNP rs776423223, ClinGen allele CA1443513.

ClinVar aggregate classification (germline): Uncertain significance. Review status: criteria provided, multiple submitters, no conflicts (2 of 4 stars). 3 submissions from 3 submitters: Uncertain significance (2). 1 of the submissions does not count toward it. Last evaluated 2025-07-03.

Conditions:
NUP133-related disorder. Also called: NUP133-related condition.

Allele frequency attached by ClinVar (database versions not stated): gnomAD 0.00001; gnomAD exomes 0.00003; TOPMed 0.00003; ExAC 0.00012.
gnomAD v4.1: 41 of 1,612,586 alleles (0.0025%); highest among the groups gnomAD compares: Admixed American, 0.067%; no homozygotes.

Submissions (3):

Labcorp Genetics (formerly Invitae), Labcorp
Classification: Uncertain significance. Last evaluated: 2025-07-03. Review status: criteria provided, single submitter. Criteria: Invitae Variant Classification Sherloc (09022015). Collection method: clinical testing. Allele origin: germline.
Comment: This sequence change replaces threonine, which is neutral and polar, with isoleucine, which is neutral and non-polar, at codon 507 of the NUP133 protein (p.Thr507Ile). This variant is present in population databases (rs776423223, gnomAD 0.1%), and has an allele count higher than expected for a pathogenic variant. This variant has not been reported in the literature in individuals affected with NUP133-related conditions. ClinVar contains an entry for this variant (Variation ID: 2085931). An algorithm developed to predict the effect of missense changes on protein structure and function (PolyPhen-2) suggests that this variant is likely to be tolerated. In summary, the available evidence is currently insufficient to determine the role of this variant in disease. Therefore, it has been classified as a Variant of Uncertain Significance.

Ambry Genetics
Classification: Uncertain significance. Last evaluated: 2023-01-25. Review status: criteria provided, single submitter. Criteria: Ambry Variant Classification Scheme 2023. Collection method: clinical testing. Allele origin: germline.

PreventionGenetics, part of Exact Sciences
Classification: Uncertain significance for NUP133-related condition. Last evaluated: 2024-05-08. Review status: no assertion criteria provided. Collection method: clinical testing. Allele origin: germline. Not counted in ClinVar's aggregate classification.
Comment: The NUP133 c.1520C>T variant is predicted to result in the amino acid substitution p.Thr507Ile. To our knowledge, this variant has not been reported in the literature. This variant is reported in 0.099% of alleles in individuals of Latino descent in gnomAD. Although we suspect that this variant may be benign, at this time, the clinical significance of this variant is uncertain due to the absence of conclusive functional and genetic evidence.